The following is an entry in ClinVar:

NM_002880.4(RAF1):c.196del (p.Gln66fs)

Gene: RAF1 (Raf-1 proto-oncogene, serine/threonine kinase; minus strand). Cytogenetic location: 3p25.2.
Variant type: Deletion.
Coding change: c.196del on transcript NM_002880.4 (MANE Select); coding-DNA position 196, one base deleted (C; older notation c.196delC).
Protein change: p.Gln66fs; shifts the reading frame from glutamine 66.
Molecular consequence: frameshift variant. On other transcripts: non-coding transcript variant (3).
Genome position (GRCh38, 1-based): chr3:12,618,526, G deleted on the plus strand (C on the coding strand, the reverse complement: RAF1 is on the minus strand). VCF-style (leftmost placement, unchanged base first): chr3-12618525-TG-T. GRCh37 (hg19) VCF-style: chr3-12660024-TG-T.
Other names: c.196del, p.Gln66fs (NM_001354689.3, NM_001354690.3, NM_001354693.3); c.66del, p.Ser22fs (NM_001354691.3, NM_001354692.3, NM_001354694.3 and 1 more transcripts); short protein forms Q66fs, S22fs.
Identifiers: ClinVar variation 1307237 (VCV001307237.2), dbSNP rs2125452707, ClinGen allele CA2573052066.

ClinVar aggregate classification (germline): Uncertain significance (1 of 4 stars; one submission).

Submission:

GeneDx
Classification: Uncertain significance. Last evaluated: 2021-06-02. Review status: criteria provided, single submitter. Criteria: GeneDx Variant Classification Process June 2021. Collection method: clinical testing. Allele origin: germline. Affected: yes.
Comment: Not observed at significant frequency in large population cohorts (Lek et al., 2016); Predicted loss-of-function variant in a gene for which the disease mechanism is known to be gain-of-function; Has not been previously published as pathogenic or benign to our knowledge; This variant is associated with the following publications: (PMID: 27535533)